The following is an entry in ClinVar:

NM_017514.5(PLXNA3):c.1929-7C>T

Gene: PLXNA3 (plexin A3; plus strand). Cytogenetic location: Xq28.
Variant type: single nucleotide variant.
Coding change: c.1929-7C>T on transcript NM_017514.5 (MANE Select); 7 bases into the intron before coding-DNA position 1929, C replaced by T.
Molecular consequence: intron variant.
Genome position (GRCh38, 1-based): chrX:154,464,747, C>T. VCF-style: chrX-154464747-C-T. GRCh37 (hg19) VCF-style: chrX-153693090-C-T.
Identifiers: ClinVar variation 3354427 (VCV003354427.1).
Genomic context (GRCh38, chrX:154,464,747, plus strand): 5'-TCCTATTGGGGAGCAGTGAGGGGCAGTGCAGCCTCCTCTGTTATTTCTGAAGCCACTTCC[C>T]CCCCAGGTGCATGTCCTGTGTTGGCAGCCCTTACCCCTGCCACTGGTGTAAGTACCGCCA-3'

ClinVar aggregate classification (germline): Likely benign (0 of 4 stars; one submission).

Conditions:
PLXNA3-related disorder. Also called: PLXNA3-related condition.

Submission:

PreventionGenetics, part of Exact Sciences
Classification: Likely benign for PLXNA3-related condition. Last evaluated: 2022-06-16. Review status: no assertion criteria provided. Collection method: clinical testing. Allele origin: germline.
Comment: This variant is classified as likely benign based on ACMG/AMP sequence variant interpretation guidelines (Richards et al. 2015 PMID: 25741868, with internal and published modifications).